The following is an entry in ClinVar:

NM_004260.4(RECQL4):c.3394-1G>C

Gene: RECQL4 (RecQ like helicase 4; minus strand). Cytogenetic location: 8q24.3.
Variant type: single nucleotide variant.
Coding change: c.3394-1G>C on transcript NM_004260.4 (MANE Select); the canonical splice acceptor site of the intron before coding-DNA position 3394, G replaced by C.
Molecular consequence: splice acceptor variant.
Genome position (GRCh38, 1-based): chr8:144,511,790, C>G on the plus strand (G>C on the coding strand, the complement: RECQL4 is on the minus strand). VCF-style: chr8-144511790-C-G. GRCh37 (hg19) VCF-style: chr8-145737173-C-G.
Other names: c.3265-1G>C (NM_001413025.1); c.3043-1G>C (NM_001413029.1); c.2257-1G>C (NM_001413032.1, NM_001413027.1, NM_001413030.1); c.2323-1G>C (NM_001413035.1, NM_001413040.1, NM_001413021.1 and 4 more transcripts); c.3100-1G>C (NM_001413017.1); c.3298-1G>C (NM_001413020.1); c.3364-1G>C (NM_001413039.1); c.3262-1G>C (NM_001413033.1); and 9 more.
Identifiers: ClinVar variation 566286 (VCV000566286.11), dbSNP rs752301125, ClinGen allele CA4947753.

ClinVar aggregate classification (germline): Likely pathogenic (1 of 4 stars; one submission).

Conditions:
Baller-Gerold syndrome (BGS). Also called: CRANIOSYNOSTOSIS WITH RADIAL DEFECTS. Identifiers: Orphanet 1225, MedGen C0265308, MONDO:0009039, OMIM 218600.

Allele frequency attached by ClinVar (database versions not stated): ExAC 0.00002; gnomAD exomes 0.00002.
gnomAD v4.1: 6 of 1,612,448 alleles (0.00037%); highest among the groups gnomAD compares: Admixed American, 0.0017%; no homozygotes.

Submission:

Labcorp Genetics (formerly Invitae), Labcorp
Classification: Likely pathogenic for Baller-Gerold syndrome. Last evaluated: 2024-08-14. Review status: criteria provided, single submitter. Criteria: Invitae Variant Classification Sherloc (09022015). Collection method: clinical testing. Allele origin: germline.
Comment: This sequence change affects an acceptor splice site in intron 19 of the RECQL4 gene. It is expected to disrupt RNA splicing. Variants that disrupt the donor or acceptor splice site typically lead to a loss of protein function (PMID: 16199547), and loss-of-function variants in RECQL4 are known to be pathogenic (PMID: 12734318, 12952869). This variant is present in population databases (rs752301125, gnomAD 0.03%). This variant has not been reported in the literature in individuals affected with RECQL4-related conditions. ClinVar contains an entry for this variant (Variation ID: 566286). Algorithms developed to predict the effect of sequence changes on RNA splicing suggest that this variant may disrupt the consensus splice site. In summary, the currently available evidence indicates that the variant is pathogenic, but additional data are needed to prove that conclusively. Therefore, this variant has been classified as Likely Pathogenic.

Literature cited by the submitters: PubMed 16199547; PubMed 12734318; PubMed 12952869.